The following is an entry in ClinVar:

NM_053025.4(MYLK):c.3121G>A (p.Ala1041Thr)

Gene: MYLK (myosin light chain kinase; minus strand). Cytogenetic location: 3q21.1.
Variant type: single nucleotide variant.
Coding change: c.3121G>A on transcript NM_053025.4 (MANE Select); coding-DNA position 3121, G replaced by A.
Protein change: p.Ala1041Thr; replaces alanine 1041 with threonine.
Molecular consequence: missense variant.
Genome position (GRCh38, 1-based): chr3:123,700,347, C>T on the plus strand (G>A on the coding strand, the complement: MYLK is on the minus strand). VCF-style: chr3-123700347-C-T. GRCh37 (hg19) VCF-style: chr3-123419194-C-T.
Other names: c.2593G>A, p.Ala865Thr (NM_001321309.2); c.2914G>A, p.Ala972Thr (NM_053026.4, NM_053028.4); c.3121G>A, p.Ala1041Thr (NM_053027.4); short protein forms A1041T, A865T, A972T.
Identifiers: ClinVar variation 409711 (VCV000409711.16), dbSNP rs568590920, ClinGen allele CA16611146.

ClinVar aggregate classification (germline): Conflicting classifications of pathogenicity. Review status: criteria provided, conflicting classifications (1 of 4 stars). 5 submissions from 5 submitters: Uncertain significance (4); Likely benign (1). Last evaluated 2026-01-20.

Conditions:
MYLK-related disorder. Also called: MYLK-related condition.
Megacystis-microcolon-intestinal hypoperistalsis syndrome 1. Identifiers: MedGen C5542316, MONDO:0100354, OMIM 249210.
Aortic aneurysm, familial thoracic 7 (AAT7). Also called: AORTIC DISSECTION, FAMILIAL, WITH OR WITHOUT AORTIC ANEURYSM. Identifiers: MedGen C3151077, MONDO:0013418, OMIM 613780.
Familial thoracic aortic aneurysm and aortic dissection (TAAD). Also called: Thoracic aortic aneurysms and dissections. Identifiers: Orphanet 91387, MedGen C4707243, MONDO:0019625.

Allele frequency attached by ClinVar (database versions not stated): gnomAD 0.00001 and 0.00003; gnomAD exomes 0.00001; TOPMed 0.00003.
gnomAD v4.1: 17 of 1,613,514 alleles (0.0011%); highest among the groups gnomAD compares: Middle Eastern, 0.017%; no homozygotes.

Submissions (5):

Labcorp Genetics (formerly Invitae), Labcorp
Classification: Uncertain significance for Aortic aneurysm, familial thoracic 7. Last evaluated: 2026-01-20. Review status: criteria provided, single submitter. Criteria: Invitae Variant Classification Sherloc (09022015). Collection method: clinical testing. Allele origin: germline.
Comment: This sequence change replaces alanine, which is neutral and non-polar, with threonine, which is neutral and polar, at codon 1041 of the MYLK protein (p.Ala1041Thr). This variant is present in population databases (rs568590920, gnomAD 0.006%). This missense change has been observed in individual(s) with thoracic aortic aneurysm and/or dissection (PMID: 29907982). ClinVar contains an entry for this variant (Variation ID: 409711). Invitae Evidence Modeling of protein sequence and biophysical properties (such as structural, functional, and spatial information, amino acid conservation, physicochemical variation, residue mobility, and thermodynamic stability) indicates that this missense variant is not expected to disrupt MYLK protein function with a negative predictive value of 80%. In summary, the available evidence is currently insufficient to determine the role of this variant in disease. Therefore, it has been classified as a Variant of Uncertain Significance.

PreventionGenetics, part of Exact Sciences
Classification: Uncertain significance for MYLK-related condition. Last evaluated: 2026-01-13. Review status: criteria provided, single submitter. Criteria: ACMG Guidelines, 2015. Collection method: clinical testing. Allele origin: germline.
Comment: The MYLK c.3121G>A variant is predicted to result in the amino acid substitution p.Ala1041Thr. This variant has been reported as a variant of uncertain significance in an individual with suspected heritable thoracic aortic disorder (H-TAD) (Table S1, Overwater et al. 2018. PubMed ID: 29907982). This variant is reported in 0.0054% of alleles in individuals of East Asian descent in gnomAD. At this time, the clinical significance of this variant is uncertain due to the absence of conclusive functional and genetic evidence.

Ambry Genetics
Classification: Likely benign for Familial thoracic aortic aneurysm and aortic dissection. Last evaluated: 2025-08-18. Review status: criteria provided, single submitter. Criteria: Ambry Variant Classification Scheme 2023. Collection method: clinical testing. Allele origin: germline.

GeneDx
Classification: Uncertain significance. Last evaluated: 2024-04-11. Review status: criteria provided, single submitter. Criteria: GeneDx Variant Classification Process June 2021. Collection method: clinical testing. Allele origin: germline. Affected: yes.
Comment: Reported in an individual with TAA, aortic root dilation, and bicuspid aortic valve (BAV) in published literature (PMID: 29907982); Not observed at significant frequency in large population cohorts (gnomAD); In silico analysis indicates that this missense variant does not alter protein structure/function; This variant is associated with the following publications: (PMID: 29907982)

Fulgent Genetics
Classification: Uncertain significance for Megacystis-microcolon-intestinal hypoperistalsis syndrome 1; Aortic aneurysm, familial thoracic 7. Last evaluated: 2021-09-01. Review status: criteria provided, single submitter. Criteria: ACMG Guidelines, 2015. Collection method: clinical testing. Allele origin: unknown.

Literature cited by the submitters: PubMed 29907982 (cited by Labcorp Genetics (formerly Invitae), Labcorp and Ambry Genetics); PubMed 36973604 (cited by Ambry Genetics).